The following is an entry in ClinVar:

ClinVar aggregate classification (germline): Likely benign. Review status: criteria provided, multiple submitters, no conflicts (2 of 4 stars). 2 submissions from 2 submitters: Likely benign (2). Last evaluated 2023-04-03.

Conditions:
Catecholaminergic polymorphic ventricular tachycardia 1. Also called: RYR2-Related Catecholaminergic Polymorphic Ventricular Tachycardia; VENTRICULAR TACHYCARDIA, STRESS-INDUCED POLYMORPHIC 1; VENTRICULAR TACHYCARDIA, CATECHOLAMINERGIC POLYMORPHIC, 1, WITH OR WITHOUT ATRIAL DYSFUNCTION AND/OR DILATED CARDIOMYOPATHY. Identifiers: Orphanet 3286, MedGen C1631597, MONDO:0011484, OMIM 604772.
Catecholaminergic polymorphic ventricular tachycardia (CVPT). Also called: Catecholamine-induced polymorphic ventricular tachycardia. Identifiers: Orphanet 3286, MedGen C5574922, MONDO:0017990.

Allele frequency attached by ClinVar (database versions not stated): gnomAD exomes below 0.00001.
gnomAD v4.1: 2 of 1,611,732 alleles (0.00012%); highest among the groups gnomAD compares: Non-Finnish European, 0.00017%; no homozygotes.

Submissions (2):

All of Us Research Program, National Institutes of Health
Classification: Likely benign for Catecholaminergic polymorphic ventricular tachycardia. Last evaluated: 2023-04-03. Review status: criteria provided, single submitter. Criteria: ACMG Guidelines, 2015. Collection method: clinical testing. Allele origin: germline. Inheritance: Autosomal dominant inheritance. Observed: 1 variant allele, 1 heterozygote.
Comment: This study involves interpretation of variants in research participants for the purpose of population health screening. Participant phenotype was not available at the time of variant classification. Additional details can be found in publication PMID: 35346344, PMCID: PMC8962531

Labcorp Genetics (formerly Invitae), Labcorp
Classification: Likely benign for Catecholaminergic polymorphic ventricular tachycardia 1. Last evaluated: 2023-03-07. Review status: criteria provided, single submitter. Criteria: Invitae Variant Classification Sherloc (09022015). Collection method: clinical testing. Allele origin: germline.

NM_001035.3(RYR2):c.12966T>A (p.Ala4322=)

Genes: RYR2 (ryanodine receptor 2; plus strand), LOC126806068 (BRD4-independent group 4 enhancer GRCh37_chr1:237947411-237948610; plus strand). Cytogenetic location: 1q43.
Variant type: single nucleotide variant.
Coding change: c.12966T>A on transcript NM_001035.3 (MANE Select); coding-DNA position 12966, T replaced by A.
Protein change: p.Ala4322=; no amino-acid change (alanine 4322 retained).
Molecular consequence: synonymous variant.
Genome position (GRCh38, 1-based): chr1:237,784,678, T>A. VCF-style: chr1-237784678-T-A. GRCh37 (hg19) VCF-style: chr1-237947978-T-A.
Identifiers: ClinVar variation 3001458 (VCV003001458.4), dbSNP rs1385392903, ClinGen allele CA424032508.
Genomic context (GRCh38, chr1:237,784,678, plus strand): 5'-CAGAGGCTTTTTCCGCATCATTTGCAGCCTGCTGCTTGGGGGAAGCCTCGTCGAAGGTGC[T>A]AAAAAGATCAAAGTTGCAGAACTGTTAGCCAACATGCCAGACCCCACTCAGGATGAGGTT-3'
Protein context (NP_001026.2, residues 4312-4332): LLLGGSLVEG[Ala4322=]KKIKVAELLA